The following is an entry in ClinVar:

ClinVar aggregate classification (germline): Uncertain significance (1 of 4 stars; one submission).

Allele frequency attached by ClinVar (database versions not stated): gnomAD exomes below 0.00001.
gnomAD v4.1: 1 of 1,582,524 alleles (0.000063%); highest among the groups gnomAD compares: Non-Finnish European, 0.000086%; no homozygotes.

Submission:

Labcorp Genetics (formerly Invitae), Labcorp
Classification: Uncertain significance. Last evaluated: 2023-10-29. Review status: criteria provided, single submitter. Criteria: Invitae Variant Classification Sherloc (09022015). Collection method: clinical testing. Allele origin: germline.
Comment: This sequence change replaces alanine, which is neutral and non-polar, with valine, which is neutral and non-polar, at codon 21 of the COL9A2 protein (p.Ala21Val). This variant is not present in population databases (gnomAD no frequency). This variant has not been reported in the literature in individuals affected with COL9A2-related conditions. Advanced modeling of protein sequence and biophysical properties (such as structural, functional, and spatial information, amino acid conservation, physicochemical variation, residue mobility, and thermodynamic stability) performed at Invitae indicates that this missense variant is not expected to disrupt COL9A2 protein function with a negative predictive value of 95%. In summary, the available evidence is currently insufficient to determine the role of this variant in disease. Therefore, it has been classified as a Variant of Uncertain Significance.

NM_001852.4(COL9A2):c.62C>T (p.Ala21Val)

Gene: COL9A2 (collagen type IX alpha 2 chain; minus strand). Cytogenetic location: 1p34.2.
Variant type: single nucleotide variant.
Coding change: c.62C>T on transcript NM_001852.4 (MANE Select); coding-DNA position 62, C replaced by T.
Protein change: p.Ala21Val; replaces alanine 21 with valine.
Molecular consequence: missense variant.
Genome position (GRCh38, 1-based): chr1:40,317,136, G>A on the plus strand (C>T on the coding strand, the complement: COL9A2 is on the minus strand). VCF-style: chr1-40317136-G-A. GRCh37 (hg19) VCF-style: chr1-40782808-G-A.
Other names: short protein forms A21V.
Identifiers: ClinVar variation 2772759 (VCV002772759.3), dbSNP rs2522586654, ClinGen allele CA339860759.